The following is an entry in ClinVar:

ClinVar aggregate classification (germline): Benign. Review status: criteria provided, multiple submitters, no conflicts (2 of 4 stars). 3 submissions from 3 submitters: Benign (3). Last evaluated 2021-07-14.

Conditions:
Myopathy, centronuclear, 2 (CNM2). Also called: MYOTUBULAR MYOPATHY, AUTOSOMAL RECESSIVE. Identifiers: Orphanet 169186, MedGen CN031787, MONDO:0009709, OMIM 255200.

Allele frequency attached by ClinVar (database versions not stated): gnomAD exomes 0.32341 and 0.30039; gnomAD 0.33052 and 0.33319; ExAC 0.31251; TOPMed 0.31731; 1000 Genomes Project 30x 0.30981; ESP Exome Variant Server 0.34653; 1000 Genomes Project 0.30691.

Submissions (3):

Genome-Nilou Lab
Classification: Benign for Myopathy, centronuclear, 2. Last evaluated: 2021-07-14. Review status: criteria provided, single submitter. Criteria: ACMG Guidelines, 2015. Collection method: clinical testing. Allele origin: germline. Affected: no.

GeneDx
Classification: Benign. Last evaluated: 2018-06-14. Review status: criteria provided, single submitter. Criteria: GeneDx Variant Classification (06012015). Collection method: clinical testing. Allele origin: germline. Affected: yes.
Comment: This variant is considered likely benign or benign based on one or more of the following criteria: it is a conservative change, it occurs at a poorly conserved position in the protein, it is predicted to be benign by multiple in silico algorithms, and/or has population frequency not consistent with disease.

Breakthrough Genomics
Classification: Benign. Review status: criteria provided, single submitter. Criteria: ACMG Guidelines, 2015. Collection method: not provided. Allele origin: germline. Inheritance: Autosomal recessive inheritance. Affected: yes.

NM_139343.3(BIN1):c.412-25T>C

Gene: BIN1 (bridging integrator 1; minus strand). Cytogenetic location: 2q14.3.
Variant type: single nucleotide variant.
Coding change: c.412-25T>C on transcript NM_139343.3 (MANE Select); 25 bases into the intron before coding-DNA position 412, T replaced by C.
Molecular consequence: intron variant.
Genome position (GRCh38, 1-based): chr2:127,069,056, A>G on the plus strand (T>C on the coding strand, the complement: BIN1 is on the minus strand). VCF-style: chr2-127069056-A-G. GRCh37 (hg19) VCF-style: chr2-127826632-A-G.
Other names: c.331-25T>C (NM_001320642.1); c.340-25T>C (NM_001320634.1); c.412-25T>C (NM_139351.3, NM_139350.3, NM_139349.3 and 10 more transcripts).
Identifiers: ClinVar variation 678128 (VCV000678128.5), dbSNP rs67327804, ClinGen allele CA1857481.